The following is an entry in ClinVar:

ClinVar aggregate classification (germline): Uncertain significance (1 of 4 stars; one submission).

Conditions:
Hereditary cancer-predisposing syndrome. Also called: Neoplastic Syndromes, Hereditary; Tumor predisposition; Hereditary Cancer Syndrome; Hereditary neoplastic syndrome. Identifiers: Orphanet 140162, MedGen C0027672, MeSH D009386, MONDO:0015356.

Submission:

Ambry Genetics
Classification: Uncertain significance for Hereditary cancer-predisposing syndrome. Last evaluated: 2025-05-03. Review status: criteria provided, single submitter. Criteria: Ambry Variant Classification Scheme 2023. Collection method: clinical testing. Allele origin: germline.
Comment: The p.Y226F variant (also known as c.677A>T), located in coding exon 3 of the XRCC2 gene, results from an A to T substitution at nucleotide position 677. The tyrosine at codon 226 is replaced by phenylalanine, an amino acid with highly similar properties. This amino acid position is conserved. In addition, the in silico prediction for this alteration is inconclusive. Since supporting evidence is limited at this time, the clinical significance of this alteration remains unclear.

NM_005431.2(XRCC2):c.677A>T (p.Tyr226Phe)

Gene: XRCC2 (X-ray repair cross complementing 2; minus strand). Cytogenetic location: 7q36.1.
Variant type: single nucleotide variant.
Coding change: c.677A>T on transcript NM_005431.2 (MANE Select); coding-DNA position 677, A replaced by T.
Protein change: p.Tyr226Phe; replaces tyrosine 226 with phenylalanine.
Molecular consequence: missense variant.
Genome position (GRCh38, 1-based): chr7:152,648,808, T>A on the plus strand (A>T on the coding strand, the complement: XRCC2 is on the minus strand). VCF-style: chr7-152648808-T-A. GRCh37 (hg19) VCF-style: chr7-152345893-T-A.
Other names: short protein forms Y226F.
Identifiers: ClinVar variation 1755378 (VCV001755378.3), dbSNP rs2485880586, ClinGen allele CA370198189.
Genomic context (GRCh38, chr7:152,648,808, plus strand): 5'-TCATCTTGTTTGGAGAAAAACATCCTGTGCTTCACCAGTTGCTGCCATGCCTTACAGAGA[T>A]AAGGTCTGTAGTCTATGTCCACATCACACAGTCGTCGAGAGGCATGAGAAGGTTCTTCTG-3'
Protein context (NP_005422.1, residues 216-236): LCDVDIDYRP[Tyr226Phe]LCKAWQQLVK